The following is an entry in ClinVar:

NM_007294.4(BRCA1):c.5406+12G>A

Gene: BRCA1 (BRCA1 DNA repair associated; minus strand). Cytogenetic location: 17q21.31.
Variant type: single nucleotide variant.
Coding change: c.5406+12G>A on transcript NM_007294.4 (MANE Select); 12 bases into the intron after coding-DNA position 5406, G replaced by A.
Molecular consequence: intron variant.
Genome position (GRCh38, 1-based): chr17:43,049,109, C>T on the plus strand (G>A on the coding strand, the complement: BRCA1 is on the minus strand). VCF-style: chr17-43049109-C-T. GRCh37 (hg19) VCF-style: chr17-41201126-C-T.
Other names: c.1953+12G>A (NM_001408458.1, NM_001408461.1, NM_001408464.1 and 7 more transcripts); c.4515+12G>A (NM_001407967.1); c.5025+12G>A (NM_001407959.1); c.5139+12G>A (NM_001407931.1, NM_001407932.1, NM_001407928.1 and 4 more transcripts); c.5262+12G>A (NM_001407747.1, NM_001407745.1, NM_001407737.1 and 18 more transcripts); c.5022+12G>A (NM_001407962.1, NM_001407960.1); c.1593+12G>A (NM_001408512.1); c.1716+12G>A (NM_001408510.1); and 84 more.
Identifiers: ClinVar variation 491175 (VCV000491175.14), dbSNP rs1555575069, ClinGen allele CA658684038.
Genomic context (GRCh38, chr17:43,049,109, plus strand): 5'-TGACAGGTGCCAGTCTTGCTCACAGGAGAGAATATTGTGTCCTCCCTCTCTGACAGGGCA[C>T]CCAATACTTACTGTGCCAAGGGTGAATGATGAAAGCTCCTTCACCACAGAAGCACCACAC-3'

ClinVar aggregate classification (germline): Likely benign. Review status: criteria provided, multiple submitters, no conflicts (2 of 4 stars). 2 submissions from 2 submitters: Likely benign (2). Last evaluated 2021-11-16.

Conditions:
Hereditary breast ovarian cancer syndrome. Also called: Breast and ovarian cancer; Hereditary breast and/or ovarian cancer syndrome; BRCA1- and BRCA2-Associated Hereditary Breast and Ovarian Cancer; Hereditary breast and ovarian cancer syndrome; Hereditary breast and ovarian cancer syndrome (HBOC); Hereditary breast and ovarian cancer. Identifiers: Orphanet 145, MedGen C0677776, MeSH D061325, MONDO:0003582. Disease mechanism: loss of function.
Hereditary cancer-predisposing syndrome. Also called: Tumor predisposition; Hereditary Cancer Syndrome; Hereditary neoplastic syndrome; Neoplastic Syndromes, Hereditary. Identifiers: Orphanet 140162, MedGen C0027672, MeSH D009386, MONDO:0015356.

Submissions (3):

Labcorp Genetics (formerly Invitae), Labcorp
Classification: Likely benign for Hereditary breast ovarian cancer syndrome. Last evaluated: 2021-11-16. Review status: criteria provided, single submitter. Criteria: Invitae Variant Classification Sherloc (09022015). Collection method: clinical testing. Allele origin: germline.

Color Diagnostics, LLC DBA Color Health
Classification: Likely benign for Hereditary cancer-predisposing syndrome. Last evaluated: 2017-09-05. Review status: criteria provided, single submitter. Criteria: ACMG Guidelines, 2015. Collection method: clinical testing. Allele origin: germline.

Brotman Baty Institute, University of Washington
No classification provided (evidence only). Condition: Breast-ovarian cancer, familial 1. Review status: no classification provided. Collection method: in vitro. Allele origin: not applicable. Functional consequence: functionally_normal. Not counted in ClinVar's aggregate classification.
ClinVar note: "not provided" was previously submitted as the classification for the variant. However, the classification appeared to be based only on an observation of functional data so it was converted to no classification on 2025-07-30.